The following is an entry in ClinVar:

ClinVar aggregate classification (germline): Uncertain significance (1 of 4 stars; one submission).

Allele frequency attached by ClinVar (database versions not stated): gnomAD exomes below 0.00001.
gnomAD v4.1: 4 of 1,611,892 alleles (0.00025%); highest among the groups gnomAD compares: Non-Finnish European, 0.00034%; no homozygotes.

Submission:

GeneDx
Classification: Uncertain significance. Last evaluated: 2020-01-06. Review status: criteria provided, single submitter. Criteria: GeneDx Variant Classification Process June 2021. Collection method: clinical testing. Allele origin: germline. Affected: yes.
Comment: Has not been previously published as pathogenic or benign to our knowledge; Not observed in large population cohorts (Lek et al., 2016); Located in the M-line of the titin protein, where the majority of pathogenic truncating variants associated with muscular dystrophy have been reported; Missense variant in a gene in which most reported pathogenic variants are truncating/loss-of-function

NM_001267550.2(TTN):c.107417C>G (p.Thr35806Arg)

Genes: TTN (titin; minus strand), TTN-AS1 (TTN antisense RNA 1; plus strand). Cytogenetic location: 2q31.2.
Variant type: single nucleotide variant.
Coding change: c.107417C>G on transcript NM_001267550.2 (MANE Select); coding-DNA position 107417, C replaced by G.
Protein change: p.Thr35806Arg; replaces threonine 35806 with arginine.
Molecular consequence: missense variant.
Genome position (GRCh38, 1-based): chr2:178,527,709, G>C on the plus strand (C>G on the coding strand, the complement: TTN is on the minus strand). VCF-style: chr2-178527709-G-C. GRCh37 (hg19) VCF-style: chr2-179392436-G-C.
Other names: c.102494C>G, p.Thr34165Arg (NM_001256850.1); c.80222C>G, p.Thr26741Arg (NM_003319.4); c.99713C>G, p.Thr33238Arg (NM_133378.4); c.80597C>G, p.Thr26866Arg (NM_133432.3); c.80798C>G, p.Thr26933Arg (NM_133437.4); short protein forms T26741R, T26866R, T26933R, T33238R, T34165R, T35806R.
Identifiers: ClinVar variation 1311685 (VCV001311685.2), dbSNP rs964363317, ClinGen allele CA60949311.
Genomic context (GRCh38, chr2:178,527,709, plus strand): 5'-GAGGCAGACATTTGGACTGACTGAGACGAGAAGCTTCCTTGCAAGCTTGTGTCACCACTT[G>C]TTCTCAATACTACCTCTCTGGAAGGTTCTTCAACTAGAGCTGTGGAGCATAGCAGATACA-3'
Protein context (NP_001254479.2, residues 35796-35816): EEPSREVVLR[Thr35806Arg]SGDTSLQGSF